The following is an entry in ClinVar:

ClinVar aggregate classification (germline): Conflicting classifications of pathogenicity. Review status: criteria provided, conflicting classifications (1 of 4 stars). 3 submissions from 3 submitters: Uncertain significance (2); Likely benign (1). Last evaluated 2025-08-12.

Conditions:
Hereditary nonpolyposis colorectal neoplasms. Identifiers: MedGen C0009405, MeSH D003123.
Hereditary cancer-predisposing syndrome. Also called: Neoplastic Syndromes, Hereditary; Tumor predisposition; Hereditary Cancer Syndrome; Hereditary neoplastic syndrome. Identifiers: Orphanet 140162, MedGen C0027672, MeSH D009386, MONDO:0015356.

Allele frequency attached by ClinVar (database versions not stated): TOPMed below 0.00001.
gnomAD v4.1: 1 of 1,614,058 alleles (0.000062%); highest among the groups gnomAD compares: African/African-American, 0.0013%; no homozygotes.

Submissions (3):

Labcorp Genetics (formerly Invitae), Labcorp
Classification: Likely benign for Hereditary nonpolyposis colorectal neoplasms. Last evaluated: 2025-08-12. Review status: criteria provided, single submitter. Criteria: Invitae Variant Classification Sherloc (09022015). Collection method: clinical testing. Allele origin: germline.

Ambry Genetics
Classification: Uncertain significance for Hereditary cancer-predisposing syndrome. Last evaluated: 2025-01-16. Review status: criteria provided, single submitter. Criteria: Ambry Variant Classification Scheme 2023. Collection method: clinical testing. Allele origin: germline.
Comment: The p.P462T variant (also known as c.1384C>A), located in coding exon 4 of the MSH6 gene, results from a C to A substitution at nucleotide position 1384. The proline at codon 462 is replaced by threonine, an amino acid with highly similar properties. This variant was identified in 1/1231 individuals from a colorectal cancer cohort (DeRycke MS et al. Mol Genet Genomic Med, 2017 Sep;5:553-569). This amino acid position is highly conserved in available vertebrate species. In addition, this alteration is predicted to be deleterious by in silico analysis. Since supporting evidence is limited at this time, the clinical significance of this alteration remains unclear.

Color Diagnostics, LLC DBA Color Health
Classification: Uncertain significance for Hereditary cancer-predisposing syndrome. Last evaluated: 2018-11-15. Review status: criteria provided, single submitter. Criteria: ACMG Guidelines, 2015. Collection method: clinical testing. Allele origin: germline.

Literature cited by the submitters: PubMed 28944238 (cited by Ambry Genetics).

NM_000179.3(MSH6):c.1384C>A (p.Pro462Thr)

Gene: MSH6 (mutS homolog 6; plus strand). Cytogenetic location: 2p16.3.
Variant type: single nucleotide variant.
Coding change: c.1384C>A on transcript NM_000179.3 (MANE Select); coding-DNA position 1384, C replaced by A.
Protein change: p.Pro462Thr; replaces proline 462 with threonine.
Molecular consequence: missense variant.
Genome position (GRCh38, 1-based): chr2:47,799,367, C>A. VCF-style: chr2-47799367-C-A. GRCh37 (hg19) VCF-style: chr2-48026506-C-A.
Other names: c.994C>A, p.Pro332Thr (NM_001281492.2); c.478C>A, p.Pro160Thr (NM_001281493.2, NM_001281494.2); short protein forms P462T, P160T, P332T.
Identifiers: ClinVar variation 230718 (VCV000230718.17), dbSNP rs876658726, ClinGen allele CA10578068.